The following is an entry in ClinVar:

ClinVar aggregate classification (germline): Pathogenic. Review status: criteria provided, single submitter (1 of 4 stars). 2 submissions from 2 submitters: Pathogenic (1). 1 of the submissions does not count toward it. Last evaluated 2022-08-30.

Conditions:
Muscular dystrophy-dystroglycanopathy (congenital with brain and eye anomalies), type A3. Also called: Congenital muscular dystrophy-dystroglycanopathy with brain and eye anomalies, type A3; Muscular dystrophy-dystroglycanopathy (congenital with brain and eye anomalies), type A, 3; WALKER-WARBURG SYNDROME OR MUSCLE-EYE-BRAIN DISEASE, POMGNT1-RELATED. Identifiers: MedGen C3151519, MONDO:0009667, OMIM 253280.
Muscular dystrophy-dystroglycanopathy (congenital with impaired intellectual development), type B, 3. Also called: Muscular dystrophy-dystroglycanopathy (congenital with intellectual disability), type B3; MUSCULAR DYSTROPHY, CONGENITAL, POMGNT1-RELATED. Identifiers: MedGen C3150412, MONDO:0013155, OMIM 613151.
Autosomal recessive limb-girdle muscular dystrophy type 2O. Also called: Limb-Girdle Muscular Dystrophy Type 3C; MUSCULAR DYSTROPHY-DYSTROGLYCANOPATHY (LIMB-GIRDLE), TYPE C, 3; MUSCULAR DYSTROPHY-DYSTROGLYCANOPATHY, LIMB-GIRDLE, POMGNT1-RELATED. Identifiers: Orphanet 206564, MedGen C3150417, MONDO:0013161, OMIM 613157.

Submissions (2):

Labcorp Genetics (formerly Invitae), Labcorp
Classification: Pathogenic for Autosomal recessive limb-girdle muscular dystrophy type 2O; Muscular dystrophy-dystroglycanopathy (congenital with impaired intellectual development), type B, 3. Last evaluated: 2022-08-30. Review status: criteria provided, single submitter. Criteria: Invitae Variant Classification Sherloc (09022015). Collection method: clinical testing. Allele origin: germline.
Comment: For these reasons, this variant has been classified as Pathogenic. This variant disrupts a region of the POMGNT1 protein in which other variant(s) (p.Leu622*) have been determined to be pathogenic (PMID: 22554691). This suggests that this is a clinically significant region of the protein, and that variants that disrupt it are likely to be disease-causing. ClinVar contains an entry for this variant (Variation ID: 552466). This variant has not been reported in the literature in individuals affected with POMGNT1-related conditions. This variant is not present in population databases (gnomAD no frequency). This sequence change creates a premature translational stop signal (p.Lys618*) in the POMGNT1 gene. While this is not anticipated to result in nonsense mediated decay, it is expected to disrupt the last 43 amino acid(s) of the POMGNT1 protein.

Counsyl
Classification: Likely pathogenic for Muscular dystrophy-dystroglycanopathy (congenital with brain and eye anomalies), type A3. Last evaluated: 2017-06-19. Review status: no assertion criteria provided. Collection method: clinical testing. Allele origin: unknown. Not counted in ClinVar's aggregate classification.

Literature cited by the submitters: PubMed 22554691 (cited by Labcorp Genetics (formerly Invitae), Labcorp).

NM_017739.4(POMGNT1):c.1852A>T (p.Lys618Ter)

Genes: POMGNT1 (protein O-linked mannose N-acetylglucosaminyltransferase 1 (beta 1,2-); minus strand), TSPAN1 (tetraspanin 1; plus strand). Cytogenetic location: 1p34.1.
Variant type: single nucleotide variant.
Coding change: c.1852A>T on transcript NM_017739.4 (MANE Select); coding-DNA position 1852, A replaced by T.
Protein change: p.Lys618Ter; replaces lysine 618 with a stop codon.
Molecular consequence: nonsense.
Genome position (GRCh38, 1-based): chr1:46,189,501, T>A on the plus strand (A>T on the coding strand, the complement: POMGNT1 is on the minus strand). VCF-style: chr1-46189501-T-A. GRCh37 (hg19) VCF-style: chr1-46655173-T-A.
Other names: c.1852A>T, p.Lys618Ter (NM_001243766.2, NM_001410783.1); c.1786A>T, p.Lys596Ter (NM_001290129.3); c.1423A>T, p.Lys475Ter (NM_001290130.2); short protein forms K618*, K475*, K596*.
Identifiers: ClinVar variation 552466 (VCV000552466.7), dbSNP rs1553162663, ClinGen allele CA340170853.
Genomic context (GRCh38, chr1:46,189,501, plus strand): 5'-AGAAAAGGGTCACTCACGAGTAGGGGGAAGCCGGGACCCCCACCATCAGGAAGTGGTTCT[T>A]CTTCCGAAACAATCTCCACAGGCCCCGATGGTTGCCACGCACATCCAGGTCCCAGATATG-3'